The following is an entry in ClinVar:

ClinVar aggregate classification (germline): Uncertain significance. Review status: criteria provided, multiple submitters, no conflicts (2 of 4 stars). 3 submissions from 3 submitters: Uncertain significance (3). Last evaluated 2022-07-23.

Conditions:
Inborn genetic diseases. Identifiers: MedGen C0950123, MeSH D030342.
Charcot-Marie-Tooth disease. Also called: Charcot-Marie-Tooth Hereditary Neuropathy; Charcot-Marie-Tooth Neuropathy. Identifiers: Orphanet 166, MedGen C0007959, MONDO:0015626.
Charcot-Marie-Tooth disease type 4. Also called: Charcot-Marie-Tooth, Type 4; Charcot-Marie-Tooth disease, type IV. Identifiers: Orphanet 64749, MedGen C4082197, MONDO:0018995.

Allele frequency attached by ClinVar (database versions not stated): gnomAD below 0.00001 and 0.00001; TOPMed 0.00001; gnomAD exomes 0.00004; ExAC 0.00005.
gnomAD v4.1: 37 of 1,613,894 alleles (0.0023%); highest among the groups gnomAD compares: South Asian, 0.034%; no homozygotes.

Submissions (3):

Labcorp Genetics (formerly Invitae), Labcorp
Classification: Uncertain significance for Charcot-Marie-Tooth disease type 4. Last evaluated: 2022-07-23. Review status: criteria provided, single submitter. Criteria: Invitae Variant Classification Sherloc (09022015). Collection method: clinical testing. Allele origin: germline.
Comment: This sequence change replaces serine, which is neutral and polar, with cysteine, which is neutral and slightly polar, at codon 776 of the FIG4 protein (p.Ser776Cys). This variant is present in population databases (rs760215765, gnomAD 0.03%). In summary, the available evidence is currently insufficient to determine the role of this variant in disease. Therefore, it has been classified as a Variant of Uncertain Significance. Algorithms developed to predict the effect of missense changes on protein structure and function are either unavailable or do not agree on the potential impact of this missense change (SIFT: "Deleterious"; PolyPhen-2: "Benign"; Align-GVGD: "Class C15"). ClinVar contains an entry for this variant (Variation ID: 916877). This variant has not been reported in the literature in individuals affected with FIG4-related conditions.

Ambry Genetics
Classification: Uncertain significance for Inborn genetic diseases. Last evaluated: 2020-09-14. Review status: criteria provided, single submitter. Criteria: Ambry Variant Classification Scheme 2023. Collection method: clinical testing. Allele origin: germline.
Comment: The p.S776C variant (also known as c.2327C>G), located in coding exon 20 of the FIG4 gene, results from a C to G substitution at nucleotide position 2327. The serine at codon 776 is replaced by cysteine, an amino acid with dissimilar properties. This amino acid position is highly conserved in available vertebrate species. In addition, this alteration is predicted to be tolerated by in silico analysis. Since supporting evidence is limited at this time, the clinical significance of this alteration remains unclear.

Molecular Genetics Laboratory, London Health Sciences Centre
Classification: Uncertain significance for Charcot-Marie-Tooth disease. Review status: criteria provided, single submitter. Criteria: ACMG Guidelines, 2015. Collection method: clinical testing. Allele origin: germline. Affected: yes.

NM_014845.6(FIG4):c.2327C>G (p.Ser776Cys)

Gene: FIG4 (FIG4 phosphoinositide 5-phosphatase; plus strand). Cytogenetic location: 6q21.
Variant type: single nucleotide variant.
Coding change: c.2327C>G on transcript NM_014845.6 (MANE Select); coding-DNA position 2327, C replaced by G.
Protein change: p.Ser776Cys; replaces serine 776 with cysteine.
Molecular consequence: missense variant.
Genome position (GRCh38, 1-based): chr6:109,791,522, C>G. VCF-style: chr6-109791522-C-G. GRCh37 (hg19) VCF-style: chr6-110112725-C-G.
Other names: short protein forms S776C.
Identifiers: ClinVar variation 916877 (VCV000916877.5), dbSNP rs760215765, ClinGen allele CA3956348.